The following is an entry in ClinVar:

ClinVar aggregate classification (germline): Uncertain significance (1 of 4 stars; one submission).

gnomAD v4.1: 2 of 1,613,894 alleles (0.00012%); highest among the groups gnomAD compares: Admixed American, 0.0017%; no homozygotes.

Submission:

CeGaT Center for Human Genetics Tuebingen
Classification: Uncertain significance. Last evaluated: 2025-12-01. Review status: criteria provided, single submitter. Criteria: CeGaT Center For Human Genetics Tuebingen Variant Classification Criteria Version 2. Collection method: clinical testing. Allele origin: germline. Affected: yes. Observed: 1 variant allele.
Comment: CSF1R: PM2, BP4

NM_001288705.3(CSF1R):c.2230A>G (p.Lys744Glu)

Gene: CSF1R (colony stimulating factor 1 receptor; minus strand). Cytogenetic location: 5q32.
Variant type: single nucleotide variant.
Coding change: c.2230A>G on transcript NM_001288705.3 (MANE Select); coding-DNA position 2230, A replaced by G.
Protein change: p.Lys744Glu; replaces lysine 744 with glutamic acid.
Molecular consequence: missense variant. On other transcripts: non-coding transcript variant (2).
Genome position (GRCh38, 1-based): chr5:150,057,376, T>C on the plus strand (A>G on the coding strand, the complement: CSF1R is on the minus strand). VCF-style: chr5-150057376-T-C. GRCh37 (hg19) VCF-style: chr5-149436939-T-C.
Other names: c.2230A>G, p.Lys744Glu (NM_001349736.2, NM_001375320.1, NM_005211.4); c.1786A>G, p.Lys596Glu (NM_001375321.1); short protein forms K596E, K744E.
Identifiers: ClinVar variation 4681333 (VCV004681333.5).
Genomic context (GRCh38, chr5:150,057,376, plus strand): 5'-GGGCTACTTGGCTGGAGAAGTGAAGCAGGTCCCGGAGCTCCAGGGGCCGTCCATCCTCCT[T>C]GTCCAGGTCTAGGGTGGGAAGAGGCGTCAGGGCAGCCCTGCCACACTCCCCACCCCTCAC-3'
Protein context (NP_001275634.1, residues 734-754): NDSFSEQDLD[Lys744Glu]EDGRPLELRD